The following is an entry in ClinVar:

ClinVar aggregate classification (germline): Uncertain significance (1 of 4 stars; one submission).

Conditions:
Bethlem myopathy 2 (BTHLM2). Identifiers: Orphanet 536516, Orphanet 610, MedGen C4225313, MONDO:0034022, OMIM 616471.
Ullrich congenital muscular dystrophy 2 (UCMD2). Identifiers: Orphanet 75840, MedGen C4225314, MONDO:0014654, OMIM 616470.

Allele frequency attached by ClinVar (database versions not stated): TOPMed below 0.00001; gnomAD exomes 0.00001; ExAC 0.00002.
gnomAD v4.1: 3 of 1,604,258 alleles (0.00019%); highest among the groups gnomAD compares: Non-Finnish European, 0.00025%; no homozygotes.

Submission:

Labcorp Genetics (formerly Invitae), Labcorp
Classification: Uncertain significance for Bethlem myopathy 2; Ullrich congenital muscular dystrophy 2. Last evaluated: 2020-11-29. Review status: criteria provided, single submitter. Criteria: Invitae Variant Classification Sherloc (09022015). Collection method: clinical testing. Allele origin: germline.
Comment: This variant is present in population databases (rs771816024, ExAC 0.003%). This sequence change replaces glycine with serine at codon 434 of the COL12A1 protein (p.Gly434Ser). The glycine residue is highly conserved and there is a small physicochemical difference between glycine and serine. In summary, the available evidence is currently insufficient to determine the role of this variant in disease. Therefore, it has been classified as a Variant of Uncertain Significance. Algorithms developed to predict the effect of sequence changes on RNA splicing suggest that this variant may create or strengthen a splice site, but this prediction has not been confirmed by published transcriptional studies. Algorithms developed to predict the effect of missense changes on protein structure and function are either unavailable or do not agree on the potential impact of this missense change (SIFT: "Deleterious"; PolyPhen-2: "Probably Damaging"; Align-GVGD: "Class C0"). This variant has not been reported in the literature in individuals with COL12A1-related conditions.

NM_004370.6(COL12A1):c.1300G>A (p.Gly434Ser)

Gene: COL12A1 (collagen type XII alpha 1 chain; minus strand). Cytogenetic location: 6q13.
Variant type: single nucleotide variant.
Coding change: c.1300G>A on transcript NM_004370.6 (MANE Select); coding-DNA position 1300, G replaced by A.
Protein change: p.Gly434Ser; replaces glycine 434 with serine.
Molecular consequence: missense variant. On other transcripts: intron variant (1).
Genome position (GRCh38, 1-based): chr6:75,183,641, C>T on the plus strand (G>A on the coding strand, the complement: COL12A1 is on the minus strand). VCF-style: chr6-75183641-C-T. GRCh37 (hg19) VCF-style: chr6-75893357-C-T.
Other names: c.73+19079G>A (NM_080645.3); short protein forms G434S.
Identifiers: ClinVar variation 1411815 (VCV001411815.8), dbSNP rs771816024, ClinGen allele CA3894221.